The following is an entry in ClinVar:

ClinVar aggregate classification (germline): Uncertain significance (1 of 4 stars; one submission).

Conditions:
Hereditary cancer-predisposing syndrome. Also called: Tumor predisposition; Neoplastic Syndromes, Hereditary; Hereditary Cancer Syndrome; Hereditary neoplastic syndrome. Identifiers: Orphanet 140162, MedGen C0027672, MeSH D009386, MONDO:0015356.

gnomAD v4.1: 1 of 1,604,206 alleles (0.000062%); highest among the groups gnomAD compares: East Asian, 0.0022%; no homozygotes.

Submission:

Ambry Genetics
Classification: Uncertain significance for Hereditary cancer-predisposing syndrome. Last evaluated: 2025-02-25. Review status: criteria provided, single submitter. Criteria: Ambry Variant Classification Scheme 2023. Collection method: clinical testing. Allele origin: germline.
Comment: The p.D29Y variant (also known as c.85G>T), located in coding exon 2 of the MRE11A gene, results from a G to T substitution at nucleotide position 85. The aspartic acid at codon 29 is replaced by tyrosine, an amino acid with highly dissimilar properties. This amino acid position is conserved. In addition, this alteration is predicted to be deleterious by in silico analysis. Based on the available evidence, the clinical significance of this variant remains unclear.

NM_005591.4(MRE11):c.85G>T (p.Asp29Tyr)

Gene: MRE11 (MRE11 double strand break repair nuclease; minus strand). Cytogenetic location: 11q21.
Variant type: single nucleotide variant.
Coding change: c.85G>T on transcript NM_005591.4 (MANE Select); coding-DNA position 85, G replaced by T.
Protein change: p.Asp29Tyr; replaces aspartic acid 29 with tyrosine.
Molecular consequence: missense variant.
Genome position (GRCh38, 1-based): chr11:94,490,901, C>A on the plus strand (G>T on the coding strand, the complement: MRE11 is on the minus strand). VCF-style: chr11-94490901-C-A. GRCh37 (hg19) VCF-style: chr11-94224067-C-A.
Other names: c.85G>T, p.Asp29Tyr (NM_001330347.2, NM_005590.4); short protein forms D29Y.
Identifiers: ClinVar variation 3874343 (VCV003874343.1).
Genomic context (GRCh38, chr11:94,490,901, plus strand): 5'-CCTGGGCAAGTCTTAAAATTTCATCGAGTGTTACAAACGTATCATTTCCTCTGACTGCAT[C>A]TTTCTCCATAAATCCAAGATGAATATCTGTTGCAACTAATATTTTAAATGTGTTTTCATC-3'
Protein context (NP_005582.1, residues 19-39): TDIHLGFMEK[Asp29Tyr]AVRGNDTFVT